The following is an entry in ClinVar:

ClinVar aggregate classification (germline): Benign (1 of 4 stars; one submission).

Allele frequency attached by ClinVar (database versions not stated): 1000 Genomes Project 30x 0.05621; 1000 Genomes Project 0.05631; TOPMed 0.08841; gnomAD 0.08887 and 0.08969.
gnomAD v4.1: 13,533 of 152,196 alleles (8.9%); highest among the groups gnomAD compares: Non-Finnish European, 12%; 766 homozygotes.

Submission:

GeneDx
Classification: Benign. Last evaluated: 2018-06-14. Review status: criteria provided, single submitter. Criteria: GeneDx Variant Classification (06012015). Collection method: clinical testing. Allele origin: germline. Affected: yes.
Comment: This variant is considered likely benign or benign based on one or more of the following criteria: it is a conservative change, it occurs at a poorly conserved position in the protein, it is predicted to be benign by multiple in silico algorithms, and/or has population frequency not consistent with disease.

NM_001378615.1(CC2D2A):c.2922+212C>A

Genes: CC2D2A (coiled-coil and C2 domain containing 2A; plus strand), FBXL5 (F-box and leucine rich repeat protein 5; minus strand). Cytogenetic location: 4p15.32.
Variant type: single nucleotide variant.
Coding change: c.2922+212C>A on transcript NM_001378615.1 (MANE Select); 212 bases into the intron after coding-DNA position 2922, C replaced by A.
Molecular consequence: intron variant.
Genome position (GRCh38, 1-based): chr4:15,559,469, C>A. VCF-style: chr4-15559469-C-A. GRCh37 (hg19) VCF-style: chr4-15561092-C-A.
Other names: c.2922+212C>A (NM_001080522.2); c.2775+212C>A (NM_001378617.1).
Identifiers: ClinVar variation 672376 (VCV000672376.1), dbSNP rs17385951, ClinGen allele CA11873579.